The following is an entry in ClinVar:

NM_001077525.3(MTMR14):c.1620G>A (p.Val540=)

Gene: MTMR14 (myotubularin related protein 14; plus strand). Cytogenetic location: 3p25.3.
Variant type: single nucleotide variant.
Coding change: c.1620G>A on transcript NM_001077525.3 (MANE Select); coding-DNA position 1620, G replaced by A.
Protein change: p.Val540=; no amino-acid change (valine 540 retained).
Molecular consequence: synonymous variant. On other transcripts: non-coding transcript variant (8), intron variant (25).
Genome position (GRCh38, 1-based): chr3:9,697,717, G>A. VCF-style: chr3-9697717-G-A. GRCh37 (hg19) VCF-style: chr3-9739401-G-A.
Other names: c.1689G>A, p.Val563= (NM_001400518.1); c.1617G>A, p.Val539= (NM_001400519.1); c.1545G>A, p.Val515= (NM_001400520.1); c.1374G>A, p.Val458= (NM_001400524.1); c.1338G>A, p.Val446= (NM_001400525.1); c.978G>A, p.Val326= (NM_001400533.1, NM_001400534.1, NM_001400535.1); c.903G>A, p.Val301= (NM_001400538.1); c.759G>A, p.Val253= (NM_001400544.1); and 19 more.
Identifiers: ClinVar variation 4991293 (VCV004991293.1).
Genomic context (GRCh38, chr3:9,697,717, plus strand): 5'-TGTCAGGCATATGACTGACTGCATCCTCTCCCCTCTCTCTCCTCTCTGCCCCAGATCAGT[G>A]GACCATCCCCTGCCCGGATCCTCTCTCTCCACAGACTATGGCAGCTGGCAGATGGTAACG-3'
Protein context (NP_001070993.1, residues 530-550): SPLEVPKPRS[Val540=]DHPLPGSSLS

ClinVar aggregate classification (germline): Uncertain significance (1 of 4 stars; one submission).

Conditions:
MTMR14-related disorder. Also called: MTMR14-related condition.

Submission:

PreventionGenetics, part of Exact Sciences
Classification: Uncertain significance for MTMR14-related condition. Last evaluated: 2026-04-13. Review status: criteria provided, single submitter. Criteria: ACMG Guidelines, 2015. Collection method: clinical testing. Allele origin: germline.
Comment: The MTMR14 c.1620G>A variant is not predicted to result in an amino acid change (p.=). This variant is predicted to alter splicing based on available splicing prediction programs (SpliceAI, Jaganathan et al. 2019. PubMed ID: 30661751). However, the use of computer prediction programs is not equivalent to functional evidence. To our knowledge, this variant has not been reported in the literature or in a large population database (gnomAD), indicating this variant is rare. At this time, the clinical significance of this variant is uncertain due to the absence of conclusive functional and genetic evidence.